The following is an entry in ClinVar:

NM_000637.5(GSR):c.859G>A (p.Val287Met)

Gene: GSR (glutathione-disulfide reductase; minus strand). Cytogenetic location: 8p12.
Variant type: single nucleotide variant.
Coding change: c.859G>A on transcript NM_000637.5 (MANE Select); coding-DNA position 859, G replaced by A.
Protein change: p.Val287Met; replaces valine 287 with methionine.
Molecular consequence: missense variant. On other transcripts: intron variant (2).
Genome position (GRCh38, 1-based): chr8:30,692,992, C>T on the plus strand (G>A on the coding strand, the complement: GSR is on the minus strand). VCF-style: chr8-30692992-C-T. GRCh37 (hg19) VCF-style: chr8-30550509-C-T.
Other names: c.859G>A, p.Val287Met (NM_001195103.3); c.795+3388G>A (NM_001195104.3, NM_001195102.3); short protein forms V287M.
Identifiers: ClinVar variation 1330556 (VCV001330556.11), dbSNP rs750862066, ClinGen allele CA4701364.

ClinVar aggregate classification (germline): Uncertain significance. Review status: criteria provided, multiple submitters, no conflicts (2 of 4 stars). 3 submissions from 3 submitters: Uncertain significance (3). Last evaluated 2024-05-07.

Conditions:
Hemolytic anemia due to glutathione reductase deficiency (CNSHA10). Also called: ANEMIA, CONGENITAL, NONSPHEROCYTIC HEMOLYTIC, 10. Identifiers: Orphanet 90030, MedGen C5231513, MONDO:0019531, OMIM 618660.

Allele frequency attached by ClinVar (database versions not stated): ExAC 0.00004; gnomAD 0.00004 and 0.00005; gnomAD exomes 0.00004 and 0.00006; TOPMed 0.00005.
gnomAD v4.1: 62 of 1,611,610 alleles (0.0038%); highest among the groups gnomAD compares: Admixed American, 0.0067%; no homozygotes.

Submissions (3):

Labcorp Genetics (formerly Invitae), Labcorp
Classification: Uncertain significance. Last evaluated: 2024-05-07. Review status: criteria provided, single submitter. Criteria: Invitae Variant Classification Sherloc (09022015). Collection method: clinical testing. Allele origin: germline.
Comment: This sequence change replaces valine, which is neutral and non-polar, with methionine, which is neutral and non-polar, at codon 287 of the GSR protein (p.Val287Met). This variant is present in population databases (rs750862066, gnomAD 0.01%). This variant has not been reported in the literature in individuals affected with GSR-related conditions. ClinVar contains an entry for this variant (Variation ID: 1330556). Advanced modeling of protein sequence and biophysical properties (such as structural, functional, and spatial information, amino acid conservation, physicochemical variation, residue mobility, and thermodynamic stability) performed at Invitae indicates that this missense variant is not expected to disrupt GSR protein function with a negative predictive value of 80%. In summary, the available evidence is currently insufficient to determine the role of this variant in disease. Therefore, it has been classified as a Variant of Uncertain Significance.

Revvity Omics, Revvity
Classification: Uncertain significance for Hemolytic anemia due to glutathione reductase deficiency. Last evaluated: 2023-04-18. Review status: criteria provided, single submitter. Criteria: ACMG Guidelines, 2015. Collection method: clinical testing. Allele origin: germline.

ARUP Laboratories, Molecular Genetics and Genomics, ARUP Laboratories
Classification: Uncertain significance for Hemolytic anemia due to glutathione reductase deficiency. Last evaluated: 2021-08-20. Review status: criteria provided, single submitter. Criteria: ARUP Molecular Germline Variant Investigation Process 2021. Collection method: clinical testing. Allele origin: germline.